The following is an entry in ClinVar:

NM_052854.4(CREB3L1):c.494C>T (p.Ser165Phe)

Gene: CREB3L1 (cAMP responsive element binding protein 3 like 1; plus strand). Cytogenetic location: 11p11.2.
Variant type: single nucleotide variant.
Coding change: c.494C>T on transcript NM_052854.4 (MANE Select); coding-DNA position 494, C replaced by T.
Protein change: p.Ser165Phe; replaces serine 165 with phenylalanine.
Molecular consequence: missense variant.
Genome position (GRCh38, 1-based): chr11:46,307,978, C>T. VCF-style: chr11-46307978-C-T. GRCh37 (hg19) VCF-style: chr11-46329529-C-T.
Other names: c.494C>T (NM_052854.2); short protein forms S165F.
Identifiers: ClinVar variation 1409945 (VCV001409945.5), dbSNP rs1235317539, ClinGen allele CA380216981.

ClinVar aggregate classification (germline): Uncertain significance. Review status: criteria provided, multiple submitters, no conflicts (2 of 4 stars). 2 submissions from 2 submitters: Uncertain significance (2). Last evaluated 2025-09-08.

Conditions:
Inborn genetic diseases. Identifiers: MedGen C0950123, MeSH D030342.

Allele frequency attached by ClinVar (database versions not stated): gnomAD 0.00001; gnomAD exomes 0.00001; TOPMed 0.00002.
gnomAD v4.1: 16 of 1,553,550 alleles (0.001%); highest among the groups gnomAD compares: Middle Eastern, 0.02%; no homozygotes.

Submissions (2):

Labcorp Genetics (formerly Invitae), Labcorp
Classification: Uncertain significance. Last evaluated: 2025-09-08. Review status: criteria provided, single submitter. Criteria: Invitae Variant Classification Sherloc (09022015). Collection method: clinical testing. Allele origin: germline.
Comment: This sequence change replaces serine, which is neutral and polar, with phenylalanine, which is neutral and non-polar, at codon 165 of the CREB3L1 protein (p.Ser165Phe). This variant is not present in population databases (gnomAD no frequency). This variant has not been reported in the literature in individuals affected with CREB3L1-related conditions. ClinVar contains an entry for this variant (Variation ID: 1409945). An algorithm developed to predict the effect of missense changes on protein structure and function (PolyPhen-2) suggests that this variant is likely to be tolerated. In summary, the available evidence is currently insufficient to determine the role of this variant in disease. Therefore, it has been classified as a Variant of Uncertain Significance.

Ambry Genetics
Classification: Uncertain significance for Inborn genetic diseases. Last evaluated: 2024-02-27. Review status: criteria provided, single submitter. Criteria: Ambry Variant Classification Scheme 2023. Collection method: clinical testing. Allele origin: germline.